The following is an entry in ClinVar:

ClinVar aggregate classification (germline): Uncertain significance (1 of 4 stars; one submission).

Conditions:
Hereditary cancer-predisposing syndrome. Also called: Neoplastic Syndromes, Hereditary; Tumor predisposition; Hereditary neoplastic syndrome; Hereditary Cancer Syndrome. Identifiers: Orphanet 140162, MedGen C0027672, MeSH D009386, MONDO:0015356.

gnomAD v4.1: 3 of 1,614,128 alleles (0.00019%); highest among the groups gnomAD compares: Non-Finnish European, 0.00025%; no homozygotes.

Submission:

Ambry Genetics
Classification: Uncertain significance for Hereditary cancer-predisposing syndrome. Last evaluated: 2023-06-09. Review status: criteria provided, single submitter. Criteria: Ambry Variant Classification Scheme 2023. Collection method: clinical testing. Allele origin: germline.
Comment: The p.P1373T variant (also known as c.4117C>A), located in coding exon 15 of the APC gene, results from a C to A substitution at nucleotide position 4117. The proline at codon 1373 is replaced by threonine, an amino acid with highly similar properties. This amino acid position is highly conserved in available vertebrate species. In addition, in silico predictors for this gene do not accurately predict pathogenicity. Since supporting evidence is limited at this time, the clinical significance of this alteration remains unclear.

NM_000038.6(APC):c.4117C>A (p.Pro1373Thr)

Gene: APC (APC regulator of Wnt signaling pathway; plus strand). Cytogenetic location: 5q22.2.
Variant type: single nucleotide variant.
Coding change: c.4117C>A on transcript NM_000038.6 (MANE Select); coding-DNA position 4117, C replaced by A.
Protein change: p.Pro1373Thr; replaces proline 1373 with threonine.
Molecular consequence: missense variant.
Genome position (GRCh38, 1-based): chr5:112,839,711, C>A. VCF-style: chr5-112839711-C-A. GRCh37 (hg19) VCF-style: chr5-112175408-C-A.
Other names: c.4117C>A, p.Pro1373Thr (NM_001127510.3, NM_001354895.2); c.4063C>A, p.Pro1355Thr (NM_001127511.3); c.4171C>A, p.Pro1391Thr (NM_001354896.2); c.4147C>A, p.Pro1383Thr (NM_001354897.2); c.4042C>A, p.Pro1348Thr (NM_001354898.2); c.4033C>A, p.Pro1345Thr (NM_001354899.2); c.3994C>A, p.Pro1332Thr (NM_001354900.2); c.3940C>A, p.Pro1314Thr (NM_001354901.2); and 5 more; short protein forms P1090T, P1213T, P1348T, P1391T, P1247T, P1272T, P1345T, P1373T.
Identifiers: ClinVar variation 824604 (VCV000824604.5), dbSNP rs1580644187, ClinGen allele CA16030347.